The following is an entry in ClinVar:

ClinVar aggregate classification (germline): Uncertain significance (1 of 4 stars; one submission).

gnomAD v4.1: 15 of 1,613,750 alleles (0.00093%); highest among the groups gnomAD compares: Non-Finnish European, 0.0013%; no homozygotes.

Submission:

CeGaT Center for Human Genetics Tuebingen
Classification: Uncertain significance. Last evaluated: 2025-10-01. Review status: criteria provided, single submitter. Criteria: CeGaT Center For Human Genetics Tuebingen Variant Classification Criteria Version 2. Collection method: clinical testing. Allele origin: germline. Affected: yes. Observed: 1 variant allele.
Comment: COL1A1: PM5, BP4

NM_000088.4(COL1A1):c.4370A>T (p.Asp1457Val)

Gene: COL1A1 (collagen type I alpha 1 chain; minus strand). Cytogenetic location: 17q21.33.
Variant type: single nucleotide variant.
Coding change: c.4370A>T on transcript NM_000088.4 (MANE Select); coding-DNA position 4370, A replaced by T.
Protein change: p.Asp1457Val; replaces aspartic acid 1457 with valine.
Molecular consequence: missense variant.
Genome position (GRCh38, 1-based): chr17:50,185,527, T>A on the plus strand (A>T on the coding strand, the complement: COL1A1 is on the minus strand). VCF-style: chr17-50185527-T-A. GRCh37 (hg19) VCF-style: chr17-48262888-T-A.
Other names: short protein forms D1457V.
Identifiers: ClinVar variation 4534939 (VCV004534939.6).